The following is an entry in ClinVar:

NM_000384.3(APOB):c.7841C>T (p.Thr2614Ile)

Gene: APOB (apolipoprotein B; minus strand). Cytogenetic location: 2p24.1.
Variant type: single nucleotide variant.
Coding change: c.7841C>T on transcript NM_000384.3 (MANE Select); coding-DNA position 7841, C replaced by T.
Protein change: p.Thr2614Ile; replaces threonine 2614 with isoleucine.
Molecular consequence: missense variant.
Genome position (GRCh38, 1-based): chr2:21,009,027, G>A on the plus strand (C>T on the coding strand, the complement: APOB is on the minus strand). VCF-style: chr2-21009027-G-A. GRCh37 (hg19) VCF-style: chr2-21231899-G-A.
Other names: short protein forms T2614I.
Identifiers: ClinVar variation 630408 (VCV000630408.9), dbSNP rs761038950, ClinGen allele CA43501944.
Genomic context (GRCh38, chr2:21,009,027, plus strand): 5'-TTGAAGTTTATCTGAACTGATGGAATCCTCAAATCTGTTAGGGGGACTATAAAATCAGGT[G>A]TCTGGAAGGTAGCTTTCTGAAGAGCCTGAAGACTGACTTCAAAGGCAGGCATGGTCCCAA-3'
Protein context (NP_000375.3, residues 2604-2624): LQALQKATFQ[Thr2614Ile]PDFIVPLTDL

ClinVar aggregate classification (germline): Uncertain significance (1 of 4 stars; one submission).

Conditions:
Hypercholesterolemia, autosomal dominant, type B (FHCL2). Also called: APOB-Related Familial Hypercholesterolemia, Autosomal Dominant; Hyperlipoproteinemia Type IIb; Familial Hypercholesterolemia Type B; APOLIPOPROTEIN B-100, FAMILIAL DEFECTIVE; APOLIPOPROTEIN B-100, FAMILIAL LIGAND-DEFECTIVE; Familial hypercholesterolemia 2. Identifiers: MedGen C1704417, MONDO:0007751, OMIM 144010.
Familial hypobetalipoproteinemia 1. Also called: APOB-Related Familial Hypobetalipoproteinemia; Hypobetalipoproteinemia, normotriglyceridemic; Acanthocytosis with hypobetalipoproteinemia. Identifiers: MedGen C4551990, MONDO:0014252, OMIM 615558.

Allele frequency attached by ClinVar (database versions not stated): gnomAD exomes 0.00001; TOPMed 0.00002.
gnomAD v4.1: 5 of 1,614,080 alleles (0.00031%); highest among the groups gnomAD compares: Non-Finnish European, 0.00042%; no homozygotes.

Submission:

Labcorp Genetics (formerly Invitae), Labcorp
Classification: Uncertain significance for Familial hypobetalipoproteinemia 1; Hypercholesterolemia, autosomal dominant, type B. Last evaluated: 2021-08-26. Review status: criteria provided, single submitter. Criteria: Invitae Variant Classification Sherloc (09022015). Collection method: clinical testing. Allele origin: germline.
Comment: This sequence change replaces threonine with isoleucine at codon 2614 of the APOB protein (p.Thr2614Ile). The threonine residue is moderately conserved and there is a moderate physicochemical difference between threonine and isoleucine. This variant is not present in population databases (ExAC no frequency). This variant has not been reported in the literature in individuals affected with APOB-related conditions. ClinVar contains an entry for this variant (Variation ID: 630408). Algorithms developed to predict the effect of missense changes on protein structure and function are either unavailable or do not agree on the potential impact of this missense change (SIFT: "Deleterious"; PolyPhen-2: "Probably Damaging"; Align-GVGD: "Class C0"). In summary, the available evidence is currently insufficient to determine the role of this variant in disease. Therefore, it has been classified as a Variant of Uncertain Significance.